The following is an entry in ClinVar:

ClinVar aggregate classification (germline): Likely benign. Review status: criteria provided, multiple submitters, no conflicts (2 of 4 stars). 2 submissions from 2 submitters: Likely benign (2). Last evaluated 2024-03-01.

Allele frequency attached by ClinVar (database versions not stated): gnomAD 0.00001; TOPMed 0.00002; gnomAD exomes 0.00003.
gnomAD v4.1: 40 of 1,546,738 alleles (0.0026%); highest among the groups gnomAD compares: East Asian, 0.098%; no homozygotes.

Submissions (2):

Labcorp Genetics (formerly Invitae), Labcorp
Classification: Likely benign. Last evaluated: 2024-03-01. Review status: criteria provided, single submitter. Criteria: Invitae Variant Classification Sherloc (09022015). Collection method: clinical testing. Allele origin: germline.

Laboratory for Molecular Medicine, Mass General Brigham Personalized Medicine
Classification: Likely benign. Last evaluated: 2016-08-04. Review status: criteria provided, single submitter. Criteria: LMM Criteria. Collection method: clinical testing. Allele origin: germline. Observed: 1 variant allele.
Comment: c.80-15C>T in intron 1 of OTOF: This variant is not expected to have clinical si gnificance because a C>T change at this position does not diverge from the splic e consensus sequence and is therefore unlikely to impact splicing.

NM_194248.3(OTOF):c.80-15C>T

Gene: OTOF (otoferlin; minus strand). Cytogenetic location: 2p23.3.
Variant type: single nucleotide variant.
Coding change: c.80-15C>T on transcript NM_194248.3 (MANE Select); 15 bases into the intron before coding-DNA position 80, C replaced by T.
Molecular consequence: intron variant.
Genome position (GRCh38, 1-based): chr2:26,537,789, G>A on the plus strand (C>T on the coding strand, the complement: OTOF is on the minus strand). VCF-style: chr2-26537789-G-A. GRCh37 (hg19) VCF-style: chr2-26760657-G-A.
Other names: c.80-15C>T (NM_001287489.2).
Identifiers: ClinVar variation 505245 (VCV000505245.8), dbSNP rs1487527833, ClinGen allele CA531404441.